The following is an entry in ClinVar:

NM_003227.4(TFR2):c.2176G>A (p.Asp726Asn)

Gene: TFR2 (transferrin receptor 2; minus strand). Cytogenetic location: 7q22.1.
Variant type: single nucleotide variant.
Coding change: c.2176G>A on transcript NM_003227.4 (MANE Select); coding-DNA position 2176, G replaced by A.
Protein change: p.Asp726Asn; replaces aspartic acid 726 with asparagine.
Molecular consequence: missense variant.
Genome position (GRCh38, 1-based): chr7:100,621,087, C>T on the plus strand (G>A on the coding strand, the complement: TFR2 is on the minus strand). VCF-style: chr7-100621087-C-T. GRCh37 (hg19) VCF-style: chr7-100218710-C-T.
Other names: c.1663G>A, p.Asp555Asn (NM_001206855.3); short protein forms D555N, D726N.
Identifiers: ClinVar variation 2577385 (VCV002577385.1), dbSNP rs776047688, ClinGen allele CA4386192.
Genomic context (GRCh38, chr7:100,621,087, plus strand): 5'-CCAGCAGGGCGCCCAGCGTGTGGTCTCCACGGCCCATGAAGATGTGGCGGAACGGGGAGT[C>T]GGCTGGCGACACGTACTGGGAAAGGAAGTAGAACTCCACCTGCGCAGAGAGGGGGATCAG-3'
Protein context (NP_003218.2, residues 716-736): YFLSQYVSPA[Asp726Asn]SPFRHIFMGR

ClinVar aggregate classification (germline): Uncertain significance (1 of 4 stars; one submission).

Allele frequency attached by ClinVar (database versions not stated): gnomAD exomes 0.00002; gnomAD 0.00003; TOPMed 0.00007.
gnomAD v4.1: 31 of 1,541,398 alleles (0.002%); highest among the groups gnomAD compares: African/African-American, 0.0027%; no homozygotes.

Submission:

Women's Health and Genetics/Laboratory Corporation of America, LabCorp
Classification: Uncertain significance. Last evaluated: 2023-07-27. Review status: criteria provided, single submitter. Criteria: LabCorp Variant Classification Summary - May 2015. Collection method: clinical testing. Allele origin: germline.
Comment: Variant summary: TFR2 c.2176G>A (p.Asp726Asn) results in a conservative amino acid change in the encoded protein sequence. Three of five in-silico tools predict a damaging effect of the variant on protein function. The variant allele was found at a frequency of 6.4e-06 in 155810 control chromosomes. The available data on variant occurrences in the general population are insufficient to allow any conclusion about variant significance. c.2176G>A has been reported in the literature in an individual affected with hyperferritinemia and liver iron deposition who was also homozygous for the HFE p.His63Asp alteration, a pathogenic variant with low penetrance (example, Badar_2016). The authors suggest that digenic inheritance of the HFE and TFR2 variants could be involved in this individual's condition, but the report does not provide unequivocal conclusions about association of the variant with Hemochromatosis Type 3. To our knowledge, no experimental evidence demonstrating an impact on protein function has been reported. The following publication has been ascertained in the context of this evaluation (PMID: 26799139). No submitters have cited clinical-significance assessments for this variant to ClinVar after 2014. Based on the evidence outlined above, the variant was classified as uncertain significance.

Literature cited by the submitters: PubMed 26799139.